The following is an entry in ClinVar:

ClinVar aggregate classification (germline): Conflicting classifications of pathogenicity. Review status: criteria provided, conflicting classifications (1 of 4 stars). 2 submissions from 2 submitters: Uncertain significance (1); Benign (1). Last evaluated 2025-06-22.

Conditions:
Cardiovascular phenotype. Identifiers: MedGen CN230736.
Dilated cardiomyopathy 1DD (CMD1DD). Identifiers: Orphanet 154, MedGen C2750995, MONDO:0013168, OMIM 613172.

Allele frequency attached by ClinVar (database versions not stated): gnomAD exomes 0.00001.
gnomAD v4.1: 12 of 1,551,320 alleles (0.00077%); highest among the groups gnomAD compares: South Asian, 0.013%; no homozygotes.

Submissions (2):

Ambry Genetics
Classification: Uncertain significance for Cardiovascular phenotype. Last evaluated: 2025-06-22. Review status: criteria provided, single submitter. Criteria: Ambry Variant Classification Scheme 2023. Collection method: clinical testing. Allele origin: germline.
Comment: The p.D332V variant (also known as c.995A>T), located in coding exon 2 of the RBM20 gene, results from an A to T substitution at nucleotide position 995. The aspartic acid at codon 332 is replaced by valine, an amino acid with highly dissimilar properties. This amino acid position is conserved. In addition, this alteration is predicted to be deleterious by in silico analysis. Based on the available evidence, the clinical significance of this variant remains unclear.

Labcorp Genetics (formerly Invitae), Labcorp
Classification: Benign for Dilated cardiomyopathy 1DD. Last evaluated: 2025-02-19. Review status: criteria provided, single submitter. Criteria: Invitae Variant Classification Sherloc (09022015). Collection method: clinical testing. Allele origin: germline.

NM_001134363.3(RBM20):c.995A>T (p.Asp332Val)

Gene: RBM20 (RNA binding motif protein 20; plus strand). Cytogenetic location: 10q25.2.
Variant type: single nucleotide variant.
Coding change: c.995A>T on transcript NM_001134363.3 (MANE Select); coding-DNA position 995, A replaced by T.
Protein change: p.Asp332Val; replaces aspartic acid 332 with valine.
Molecular consequence: missense variant.
Genome position (GRCh38, 1-based): chr10:110,781,604, A>T. VCF-style: chr10-110781604-A-T. GRCh37 (hg19) VCF-style: chr10-112541362-A-T.
Other names: short protein forms D332V.
Identifiers: ClinVar variation 2740417 (VCV002740417.4), dbSNP rs879110456, ClinGen allele CA213234998.